The following is an entry in ClinVar:

ClinVar aggregate classification (germline): Uncertain significance (1 of 4 stars; one submission).

Conditions:
Sphingolipid activator protein 1 deficiency. Also called: METACHROMATIC LEUKODYSTROPHY DUE TO CEREBROSIDE SULFATASE ACTIVATOR DEFICIENCY; Saposin B Deficiency; Metachromatic leukodystrophy due to saposin B deficiency. Identifiers: Orphanet 512, MedGen C0268262, MONDO:0009590, OMIM 249900.

Allele frequency attached by ClinVar (database versions not stated): gnomAD exomes 0.00001; TOPMed 0.00001.
gnomAD v4.1: 17 of 1,613,000 alleles (0.0011%); highest among the groups gnomAD compares: Non-Finnish European, 0.0014%; no homozygotes.

Submission:

Labcorp Genetics (formerly Invitae), Labcorp
Classification: Uncertain significance for Sphingolipid activator protein 1 deficiency. Last evaluated: 2024-06-03. Review status: criteria provided, single submitter. Criteria: Invitae Variant Classification Sherloc (09022015). Collection method: clinical testing. Allele origin: germline.
Comment: This sequence change replaces methionine, which is neutral and non-polar, with isoleucine, which is neutral and non-polar, at codon 257 of the PSAP protein (p.Met257Ile). This variant is present in population databases (no rsID available, gnomAD 0.002%). This variant has not been reported in the literature in individuals affected with PSAP-related conditions. ClinVar contains an entry for this variant (Variation ID: 1449052). Advanced modeling of protein sequence and biophysical properties (such as structural, functional, and spatial information, amino acid conservation, physicochemical variation, residue mobility, and thermodynamic stability) has been performed at Invitae for this missense variant, however the output from this modeling did not meet the statistical confidence thresholds required to predict the impact of this variant on PSAP protein function. In summary, the available evidence is currently insufficient to determine the role of this variant in disease. Therefore, it has been classified as a Variant of Uncertain Significance.

NM_002778.4(PSAP):c.771G>A (p.Met257Ile)

Gene: PSAP (prosaposin; minus strand). Cytogenetic location: 10q22.1.
Variant type: single nucleotide variant.
Coding change: c.771G>A on transcript NM_002778.4 (MANE Select); coding-DNA position 771, G replaced by A.
Protein change: p.Met257Ile; replaces methionine 257 with isoleucine.
Molecular consequence: missense variant.
Genome position (GRCh38, 1-based): chr10:71,825,843, C>T on the plus strand (G>A on the coding strand, the complement: PSAP is on the minus strand). VCF-style: chr10-71825843-C-T. GRCh37 (hg19) VCF-style: chr10-73585600-C-T.
Other names: c.771G>A, p.Met257Ile (NM_001042465.3, NM_001042466.3); short protein forms M257I.
Identifiers: ClinVar variation 1449052 (VCV001449052.4), dbSNP rs1483269733, ClinGen allele CA377149138.